The following continues an entry in ClinVar:

NM_000465.4(BARD1):c.716T>A (p.Leu239Gln)

Gene: BARD1. ClinVar aggregate classification (germline): Conflicting classifications of pathogenicity. Uncertain significance (17); Likely benign (3).

Submissions 9 to 23 of 23:

Ambry Genetics
Classification: Uncertain significance for Hereditary cancer-predisposing syndrome. Last evaluated: 2024-05-14. Review status: criteria provided, single submitter. Criteria: Ambry Variant Classification Scheme 2023. Collection method: clinical testing. Allele origin: germline.
Comment: The p.L239Q variant (also known as c.716T>A), located in coding exon 4 of the BARD1 gene, results from a T to A substitution at nucleotide position 716. The leucine at codon 239 is replaced by glutamine, an amino acid with dissimilar properties. This alteration has been reported in individuals with a personal or family history of breast and/or ovarian cancer (da Costa E Silva Carvalho S et al. BMC Med Genomics, 2020 02;13:21; Tsaousis GN et al. BMC Cancer, 2019 Jun;19:535; Tung N et al. J. Clin. Oncol., 2016 May;34:1460-8; Young EL et al. J. Med. Genet., 2016 06;53:366-76). This alteration was found to be functional in a homology-directed DNA repair (HDR) assay (Adamovich AI et al. PLoS Genet., 2019 03;15:e1008049). RNA analyses have shown that this alteration leads to aberrant splicing by creating a new alternate donor site (Shirley BC et al. F1000Res, 2018 Dec;7:1908).This amino acid position is poorly conserved in available vertebrate species. In addition, this alteration is predicted to be tolerated by in silico analysis. Since supporting evidence is limited at this time, the clinical significance of this alteration remains unclear.

Blueprint Genetics
Classification: Likely benign. Last evaluated: 2024-03-11. Review status: criteria provided, single submitter. Criteria: ACMG Guidelines, 2015. Collection method: clinical testing. Allele origin: germline.

Myriad Genetics, Inc.
Classification: Likely benign for Familial cancer of breast. Last evaluated: 2023-02-24. Review status: criteria provided, single submitter. Criteria: Myriad Autosomal Dominant, Autosomal Recessive and X-Linked Classification Criteria (2023). Collection method: clinical testing. Allele origin: unknown.
Comment: This variant is considered likely benign. This variant is strongly associated with less severe personal and family histories of cancer, typical for individuals without pathogenic variants in this gene [PMID: 25085752].

CHEO Genetics Diagnostic Laboratory, Children's Hospital of Eastern Ontario
Classification: Uncertain significance for Breast and/or ovarian cancer. Last evaluated: 2022-09-13. Review status: criteria provided, single submitter. Criteria: ACMG Guidelines, 2015. Collection method: clinical testing. Allele origin: germline.

St. Jude Molecular Pathology, St. Jude Children's Research Hospital
Classification: Uncertain significance for Familial cancer of breast. Last evaluated: 2022-08-23. Review status: criteria provided, single submitter. Criteria: St. Jude Assertion Criteria 2020. Collection method: clinical testing. Allele origin: germline.
Comment: The BARD1 c.716T>A (p.Leu239Gln) missense change has a maximum subpopulation frequency of 0.016% in gnomAD v2.1.1. This variant has been reported in the literature in individuals with a personal and/or family history of breast and/or ovarian cancer (PMID: 26976419, 31159747, 32039725, 33471991). It has also been reported in one individual in a database of women older than 70 years of age who have never had cancer (FLOSSIES database). Algorithms that predict the impact of sequence changes on splicing indicate that this change may affect splicing. RNA studies indicate that this variant strengthens a cryptic splice within exon 4 of the BARD1 gene and causes leaky splicing (PMID: 31275557). The in silico tool REVEL predicts a benign effect on protein function and functional analysis indicates that this variant has homology-directed repair (HDR) comparable to the wild-type (PMID: 30925164). In summary, the evidence currently available is insufficient to determine the clinical significance of this variant. It has therefore been classified as of uncertain significance.

Department of Pathology and Laboratory Medicine, Sinai Health System
Classification: Uncertain significance for Familial cancer of breast. Last evaluated: 2022-03-14. Review status: criteria provided, single submitter. Criteria: ACMG Guidelines, 2015. Collection method: clinical testing. Allele origin: germline. Affected: yes.

Sema4
Classification: Uncertain significance for Hereditary cancer-predisposing syndrome. Last evaluated: 2021-06-17. Review status: criteria provided, single submitter. Criteria: Sema4 Curation Guidelines. Collection method: curation. Allele origin: germline.
Comment: The BARD1 c.716T>A (p.L239Q) variant has been reported in heterozygosity in several individuals with breast or ovarian cancer (PMID: 26976419, 31159747, 32039725, 33471991) but it has also been seen in healthy controls (PMID:33471991). Functional studies have shown that this variant strenthens a cryptic splice site causing leaky splicing (PMID: 31275557). A homology-directed repair study demonstrated the normal function of the protein (PMID: 30925164). This variant was observed in 19/118622 chromosomes in the Non-Finnish European population, with no homozygotes, according to the Genome Aggregation Database (PMID: 32461654). This variant has been reported in ClinVar (Variation ID: 127746). In silico tools suggest the impact of the variant on protein function is benign. The overall evidence is inconsistent with ACMG/AMP requirements for a classification of benign or pathogenic. In summary, the clinical significance of this variant is currently uncertain.

Genetic Services Laboratory, University of Chicago
Classification: Uncertain significance. Last evaluated: 2019-10-25. Review status: criteria provided, single submitter. Criteria: ACMG Guidelines, 2015. Collection method: clinical testing. Allele origin: germline. Affected: no.

Fulgent Genetics
Classification: Uncertain significance for Familial cancer of breast. Last evaluated: 2018-10-31. Review status: criteria provided, single submitter. Criteria: ACMG Guidelines, 2015. Collection method: clinical testing. Allele origin: unknown.

GeneKor MSA
Classification: Uncertain significance for Hereditary cancer-predisposing syndrome. Last evaluated: 2018-08-01. Review status: criteria provided, single submitter. Criteria: ACMG Guidelines, 2015. Collection method: clinical testing. Allele origin: germline. Affected: yes.

Mendelics
Classification: Uncertain significance for Familial cancer of breast. Last evaluated: 2018-07-02. Review status: criteria provided, single submitter. Criteria: Mendelics Assertion Criteria 2017. Collection method: clinical testing. Allele origin: unknown.

Institute for Biomarker Research, Medical Diagnostic Laboratories, L.L.C.
Classification: Uncertain significance for Hereditary cancer-predisposing syndrome. Last evaluated: 2018-05-23. Review status: criteria provided, single submitter. Criteria: ACMG Guidelines, 2015. Collection method: clinical testing. Allele origin: germline.

Counsyl
Classification: Uncertain significance for Familial cancer of breast. Last evaluated: 2017-05-16. Review status: no assertion criteria provided. Collection method: clinical testing. Allele origin: unknown. Not counted in ClinVar's aggregate classification.

Dr. Peter K. Rogan Lab, Western University
No classification provided (evidence only). Condition: Familial cancer of breast. Review status: no classification provided. Collection method: in vitro. Allele origin: not applicable. Functional consequence: cryptic splice site. Not counted in ClinVar's aggregate classification.

Dr. Peter K. Rogan Lab, Western University
No classification provided (evidence only). Condition: Thyroid cancer, nonmedullary, 1. Review status: no classification provided. Collection method: in vitro. Allele origin: not applicable. Functional consequence: retained intron. Not counted in ClinVar's aggregate classification.

Literature cited by the submitters: PubMed 26976419 (cited by 7 submitters); PubMed 31159747 (cited by 6 submitters); PubMed 35534704 (cited by 3 submitters); PubMed 35595798 (cited by 3 submitters); PubMed 30925164 (cited by 7 submitters); PubMed 31275557 (cited by 5 submitters); PubMed 35264596 (cited by 3 submitters); PubMed 32039725 (cited by 6 submitters); PubMed 26787654 (cited by 4 submitters); PubMed 39226054 (cited by Women's Health and Genetics/Laboratory Corporation of America, LabCorp); PubMed 33471991 (cited by Quest Diagnostics Nichols Institute San Juan Capistrano and Sema4); PubMed 27720647 (cited by Quest Diagnostics Nichols Institute San Juan Capistrano); PubMed 25085752 (cited by Myriad Genetics, Inc.).